The following is an entry in ClinVar:

ClinVar aggregate classification (germline): Uncertain significance. Review status: criteria provided, multiple submitters, no conflicts (2 of 4 stars). 2 submissions from 2 submitters: Uncertain significance (2). Last evaluated 2021-09-01.

Conditions:
Hereditary cancer-predisposing syndrome. Also called: Neoplastic Syndromes, Hereditary; Hereditary Cancer Syndrome; Tumor predisposition; Hereditary neoplastic syndrome. Identifiers: Orphanet 140162, MedGen C0027672, MeSH D009386, MONDO:0015356.
DICER1-related tumor predisposition. Also called: DICER1-related pleuropulmonary blastoma cancer predisposition syndrome; DICER1 syndrome. Identifiers: Orphanet 284343, MedGen C3839822, MONDO:0100216.

Submissions (2):

Ambry Genetics
Classification: Uncertain significance for Hereditary cancer-predisposing syndrome. Last evaluated: 2021-09-01. Review status: criteria provided, single submitter. Criteria: Ambry Variant Classification Scheme 2023. Collection method: clinical testing. Allele origin: germline.
Comment: The p.S1158R variant (also known as c.3472A>C), located in coding exon 20 of the DICER1 gene, results from an A to C substitution at nucleotide position 3472. The serine at codon 1158 is replaced by arginine, an amino acid with dissimilar properties. This amino acid position is not well conserved in available vertebrate species. In addition, this alteration is predicted to be tolerated by in silico analysis. Since supporting evidence is limited at this time, the clinical significance of this alteration remains unclear.

Labcorp Genetics (formerly Invitae), Labcorp
Classification: Uncertain significance for DICER1-related tumor predisposition. Last evaluated: 2020-12-24. Review status: criteria provided, single submitter. Criteria: Invitae Variant Classification Sherloc (09022015). Collection method: clinical testing. Allele origin: germline.
Comment: In summary, the available evidence is currently insufficient to determine the role of this variant in disease. Therefore, it has been classified as a Variant of Uncertain Significance. Algorithms developed to predict the effect of missense changes on protein structure and function (SIFT, PolyPhen-2, Align-GVGD) all suggest that this variant is likely to be tolerated, but these predictions have not been confirmed by published functional studies and their clinical significance is uncertain. This variant has not been reported in the literature in individuals with DICER1-related conditions. This variant is not present in population databases (ExAC no frequency). This sequence change replaces serine with arginine at codon 1158 of the DICER1 protein (p.Ser1158Arg). The serine residue is weakly conserved and there is a moderate physicochemical difference between serine and arginine.

NM_177438.3(DICER1):c.3472A>C (p.Ser1158Arg)

Gene: DICER1 (dicer 1, ribonuclease III; minus strand). Cytogenetic location: 14q32.13.
Variant type: single nucleotide variant.
Coding change: c.3472A>C on transcript NM_177438.3 (MANE Select); coding-DNA position 3472, A replaced by C.
Protein change: p.Ser1158Arg; replaces serine 1158 with arginine.
Molecular consequence: missense variant.
Genome position (GRCh38, 1-based): chr14:95,103,924, T>G on the plus strand (A>C on the coding strand, the complement: DICER1 is on the minus strand). VCF-style: chr14-95103924-T-G. GRCh37 (hg19) VCF-style: chr14-95570261-T-G.
Other names: c.3472A>C, p.Ser1158Arg (NM_001195573.1, NM_001271282.3, NM_001291628.2 and 1 more transcripts); short protein forms S1158R.
Identifiers: ClinVar variation 1462430 (VCV001462430.11), dbSNP rs949633145, ClinGen allele CA390875290.